The following is an entry in ClinVar:

ClinVar aggregate classification (germline): Uncertain significance. Review status: criteria provided, multiple submitters, no conflicts (2 of 4 stars). 7 submissions from 7 submitters: Uncertain significance (7). Last evaluated 2024-11-20.

Conditions:
Vanishing white matter disease. Also called: CACH syndrome; Childhood ataxia with diffuse central nervous system hypomyelination; Leukoencephalopathy with vanishing white matter; CACH/VWM syndrome; Cree leukoencehalopathy. Identifiers: Orphanet 135, Orphanet 99853, MedGen C1858991, MONDO:0800448.
Inborn genetic diseases. Identifiers: MedGen C0950123, MeSH D030342.

Allele frequency attached by ClinVar (database versions not stated): TOPMed 0.00034; gnomAD exomes 0.00036 and 0.00070; ExAC 0.00039; gnomAD 0.00042 and 0.00043; ESP Exome Variant Server 0.00062.
gnomAD v4.1: 1,062 of 1,613,098 alleles (0.066%); highest among the groups gnomAD compares: Non-Finnish European, 0.087%; 2 homozygotes.

Submissions (7):

Blueprint Genetics
Classification: Uncertain significance. Last evaluated: 2024-11-20. Review status: criteria provided, single submitter. Criteria: ACMG Guidelines, 2015. Collection method: clinical testing. Allele origin: germline.

Labcorp Genetics (formerly Invitae), Labcorp
Classification: Uncertain significance. Last evaluated: 2024-11-11. Review status: criteria provided, single submitter. Criteria: Invitae Variant Classification Sherloc (09022015). Collection method: clinical testing. Allele origin: germline.
Comment: This sequence change replaces arginine, which is basic and polar, with histidine, which is basic and polar, at codon 155 of the EIF2B3 protein (p.Arg155His). This variant is present in population databases (rs147773599, gnomAD 0.08%). This missense change has been observed in individual(s) with clinical features of leukoencephalopathy with vanishing white matter although a second variant was not observed (PMID: 31692161). ClinVar contains an entry for this variant (Variation ID: 874280). Invitae Evidence Modeling of protein sequence and biophysical properties (such as structural, functional, and spatial information, amino acid conservation, physicochemical variation, residue mobility, and thermodynamic stability) indicates that this missense variant is not expected to disrupt EIF2B3 protein function with a negative predictive value of 80%. In summary, the available evidence is currently insufficient to determine the role of this variant in disease. Therefore, it has been classified as a Variant of Uncertain Significance.

Mayo Clinic Laboratories, Mayo Clinic
Classification: Uncertain significance. Last evaluated: 2024-07-09. Review status: criteria provided, single submitter. Criteria: ACMG Guidelines, 2015. Collection method: clinical testing. Allele origin: germline. Observed: 1 variant allele.

Ambry Genetics
Classification: Uncertain significance for Inborn genetic diseases. Last evaluated: 2024-03-27. Review status: criteria provided, single submitter. Criteria: Ambry Variant Classification Scheme 2023. Collection method: clinical testing. Allele origin: germline.

Fulgent Genetics
Classification: Uncertain significance for Leukoencephalopathy with vanishing white matter 1. Last evaluated: 2022-02-10. Review status: criteria provided, single submitter. Criteria: ACMG Guidelines, 2015. Collection method: clinical testing. Allele origin: unknown.

Athena Diagnostics
Classification: Uncertain significance. Last evaluated: 2020-04-08. Review status: criteria provided, single submitter. Criteria: Athena Diagnostics Criteria. Collection method: clinical testing. Allele origin: unknown.

Illumina Laboratory Services, Illumina
Classification: Uncertain significance for Leukoencephalopathy with vanishing white matter 1. Last evaluated: 2018-01-13. Review status: criteria provided, single submitter. Criteria: ICSL Variant Classification Criteria 13 December 2019. Collection method: clinical testing. Allele origin: germline.

Literature cited by the submitters: PubMed 31692161 (cited by 3 submitters).

NM_020365.5(EIF2B3):c.464G>A (p.Arg155His)

Gene: EIF2B3 (eukaryotic translation initiation factor 2B subunit gamma; minus strand). Cytogenetic location: 1p34.1.
Variant type: single nucleotide variant.
Coding change: c.464G>A on transcript NM_020365.5 (MANE Select); coding-DNA position 464, G replaced by A.
Protein change: p.Arg155His; replaces arginine 155 with histidine.
Molecular consequence: missense variant.
Genome position (GRCh38, 1-based): chr1:44,926,730, C>T on the plus strand (G>A on the coding strand, the complement: EIF2B3 is on the minus strand). VCF-style: chr1-44926730-C-T. GRCh37 (hg19) VCF-style: chr1-45392402-C-T.
Other names: p.Arg155His; c.464G>A, p.Arg155His (NM_001166588.3, NM_001261418.2); short protein forms R155H.
Identifiers: ClinVar variation 874280 (VCV000874280.11), dbSNP rs147773599, ClinGen allele CA824000.
Genomic context (GRCh38, chr1:44,926,730, plus strand): 5'-TCTGCTTCATTAGCCATGAAGAGCAGCCTCTTTCCTGTGCTGTCCACTCCAATGAAGTCA[C>T]GCTGCTCCACTGAATCATACAAAAGAAAAAAAAAATCAAATAAAGCCATTTGCCCTGCCT-3'
Protein context (NP_065098.1, residues 145-165): QKGKKKAVEQ[Arg155His]DFIGVDSTGK